The following is an entry in ClinVar:

NM_001366110.1(PAX4):c.181T>C (p.Tyr61His)

Gene: PAX4 (paired box 4; minus strand). Cytogenetic location: 7q32.1.
Variant type: single nucleotide variant.
Coding change: c.181T>C on transcript NM_001366110.1 (MANE Select); coding-DNA position 181, T replaced by C.
Protein change: p.Tyr61His; replaces tyrosine 61 with histidine.
Molecular consequence: missense variant.
Genome position (GRCh38, 1-based): chr7:127,615,059, A>G on the plus strand (T>C on the coding strand, the complement: PAX4 is on the minus strand). VCF-style: chr7-127615059-A-G. GRCh37 (hg19) VCF-style: chr7-127255113-A-G.
Other names: c.181T>C, p.Tyr61His (NM_001366111.1); short protein forms Y61H.
Identifiers: ClinVar variation 1464867 (VCV001464867.8), dbSNP rs2116142542, ClinGen allele CA369176841.

ClinVar aggregate classification (germline): Uncertain significance (1 of 4 stars; one submission).

Allele frequency attached by ClinVar (database versions not stated): gnomAD exomes below 0.00001.

Submission:

Labcorp Genetics (formerly Invitae), Labcorp
Classification: Uncertain significance. Last evaluated: 2021-01-04. Review status: criteria provided, single submitter. Criteria: Invitae Variant Classification Sherloc (09022015). Collection method: clinical testing. Allele origin: germline.
Comment: In summary, the available evidence is currently insufficient to determine the role of this variant in disease. Therefore, it has been classified as a Variant of Uncertain Significance. Algorithms developed to predict the effect of missense changes on protein structure and function (SIFT, PolyPhen-2, Align-GVGD) all suggest that this variant is likely to be disruptive, but these predictions have not been confirmed by published functional studies and their clinical significance is uncertain. This variant has not been reported in the literature in individuals with PAX4-related conditions. This variant is not present in population databases (ExAC no frequency). This sequence change replaces tyrosine with histidine at codon 53 of the PAX4 protein (p.Tyr53His). The tyrosine residue is highly conserved and there is a moderate physicochemical difference between tyrosine and histidine.